The following is an entry in ClinVar:

NM_001042492.3(NF1):c.5079T>G (p.His1693Gln)

Gene: NF1 (neurofibromin 1; plus strand). Cytogenetic location: 17q11.2.
Variant type: single nucleotide variant.
Coding change: c.5079T>G on transcript NM_001042492.3 (MANE Select); coding-DNA position 5079, T replaced by G.
Protein change: p.His1693Gln; replaces histidine 1693 with glutamine.
Molecular consequence: missense variant.
Genome position (GRCh38, 1-based): chr17:31,326,063, T>G. VCF-style: chr17-31326063-T-G. GRCh37 (hg19) VCF-style: chr17-29653081-T-G.
Other names: c.5016T>G, p.His1672Gln (NM_000267.4); short protein forms H1693Q, H1672Q.
Identifiers: ClinVar variation 480214 (VCV000480214.9), dbSNP rs1555533365, ClinGen allele CA399007482.

ClinVar aggregate classification (germline): Uncertain significance. Review status: criteria provided, multiple submitters, no conflicts (2 of 4 stars). 2 submissions from 2 submitters: Uncertain significance (2). Last evaluated 2025-09-08.

Conditions:
Cardiovascular phenotype. Identifiers: MedGen CN230736.
Hereditary cancer-predisposing syndrome. Also called: Hereditary neoplastic syndrome; Neoplastic Syndromes, Hereditary; Tumor predisposition; Hereditary Cancer Syndrome. Identifiers: Orphanet 140162, MedGen C0027672, MeSH D009386, MONDO:0015356.
Neurofibromatosis, type 1 (NF1). Also called: VON RECKLINGHAUSEN DISEASE; Peripheral type neurofibromatosis; NEUROFIBROMATOSIS, TYPE I, SOMATIC; Neurofibromatosis, type I. Identifiers: Orphanet 636, MedGen C0027831, MONDO:0018975, OMIM 162200. Disease mechanism: loss of function.

Allele frequency attached by ClinVar (database versions not stated): TOPMed below 0.00001; gnomAD 0.00001.
gnomAD v4.1: 10 of 1,614,026 alleles (0.00062%); highest among the groups gnomAD compares: Non-Finnish European, 0.00085%; no homozygotes.

Submissions (2):

Labcorp Genetics (formerly Invitae), Labcorp
Classification: Uncertain significance for Neurofibromatosis, type 1. Last evaluated: 2025-09-08. Review status: criteria provided, single submitter. Criteria: Invitae Variant Classification Sherloc (09022015). Collection method: clinical testing. Allele origin: germline.
Comment: This sequence change replaces histidine, which is basic and polar, with glutamine, which is neutral and polar, at codon 1672 of the NF1 protein (p.His1672Gln). This variant is not present in population databases (gnomAD no frequency). This variant has not been reported in the literature in individuals affected with NF1-related conditions. ClinVar contains an entry for this variant (Variation ID: 480214). Invitae Evidence Modeling of protein sequence and biophysical properties (such as structural, functional, and spatial information, amino acid conservation, physicochemical variation, residue mobility, and thermodynamic stability) has been performed for this missense variant. However, the output from this modeling did not meet the statistical confidence thresholds required to predict the impact of this variant on NF1 protein function. In summary, the available evidence is currently insufficient to determine the role of this variant in disease. Therefore, it has been classified as a Variant of Uncertain Significance.

Ambry Genetics
Classification: Uncertain significance for Cardiovascular phenotype; Hereditary cancer-predisposing syndrome. Last evaluated: 2024-11-27. Review status: criteria provided, single submitter. Criteria: Ambry Variant Classification Scheme 2023. Collection method: clinical testing. Allele origin: germline.
Comment: The p.H1672Q variant (also known as c.5016T>G), located in coding exon 36 of the NF1 gene, results from a T to G substitution at nucleotide position 5016. The histidine at codon 1672 is replaced by glutamine, an amino acid with highly similar properties. This amino acid position is highly conserved in available vertebrate species. In addition, the in silico prediction for this alteration is inconclusive. Since supporting evidence is limited at this time, the clinical significance of this alteration remains unclear.